The following is an entry in ClinVar:

ClinVar aggregate classification (germline): Uncertain significance (1 of 4 stars; one submission).

Conditions:
Deficiency of aromatic-L-amino-acid decarboxylase. Also called: Aromatic L-Amino Acid Decarboxylase Deficiency; AADC DEFICIENCY; DDC DEFICIENCY; DOPA DECARBOXYLASE DEFICIENCY; Aromatic amino acid decarboxylase deficiency. Identifiers: Orphanet 35708, MedGen C1291564, MONDO:0012084, OMIM 608643.

Submission:

Labcorp Genetics (formerly Invitae), Labcorp
Classification: Uncertain significance for Deficiency of aromatic-L-amino-acid decarboxylase. Last evaluated: 2022-07-25. Review status: criteria provided, single submitter. Criteria: Invitae Variant Classification Sherloc (09022015). Collection method: clinical testing. Allele origin: germline.
Comment: In summary, the available evidence is currently insufficient to determine the role of this variant in disease. Therefore, it has been classified as a Variant of Uncertain Significance. Algorithms developed to predict the effect of missense changes on protein structure and function (SIFT, PolyPhen-2, Align-GVGD) all suggest that this variant is likely to be disruptive. ClinVar contains an entry for this variant (Variation ID: 1388676). This variant has not been reported in the literature in individuals affected with DDC-related conditions. This variant is not present in population databases (gnomAD no frequency). This sequence change replaces proline, which is neutral and non-polar, with leucine, which is neutral and non-polar, at codon 109 of the DDC protein (p.Pro109Leu).

NM_001082971.2(DDC):c.326C>T (p.Pro109Leu)

Genes: DDC (dopa decarboxylase; minus strand), DDC-AS1 (DDC antisense RNA 1; plus strand). Cytogenetic location: 7p12.1.
Variant type: single nucleotide variant.
Coding change: c.326C>T on transcript NM_001082971.2 (MANE Select); coding-DNA position 326, C replaced by T.
Protein change: p.Pro109Leu; replaces proline 109 with leucine.
Molecular consequence: missense variant. On other transcripts: intron variant (1).
Genome position (GRCh38, 1-based): chr7:50,537,969, G>A on the plus strand (C>T on the coding strand, the complement: DDC is on the minus strand). VCF-style: chr7-50537969-G-A. GRCh37 (hg19) VCF-style: chr7-50605667-G-A.
Other names: c.326C>T, p.Pro109Leu (NM_000790.4, NM_001242887.2, NM_001242889.2 and 1 more transcripts); c.212C>T, p.Pro71Leu (NM_001242886.2); c.201+5916C>T (NM_001242888.2); short protein forms P109L, P71L.
Identifiers: ClinVar variation 1388676 (VCV001388676.8), dbSNP rs2153548527, ClinGen allele CA367528662.